The following is an entry in ClinVar:

NM_003235.5(TG):c.1900G>A (p.Gly634Arg)

Gene: TG (thyroglobulin; plus strand). Cytogenetic location: 8q24.22.
Variant type: single nucleotide variant.
Coding change: c.1900G>A on transcript NM_003235.5 (MANE Select); coding-DNA position 1900, G replaced by A.
Protein change: p.Gly634Arg; replaces glycine 634 with arginine.
Molecular consequence: missense variant.
Genome position (GRCh38, 1-based): chr8:132,887,272, G>A. VCF-style: chr8-132887272-G-A. GRCh37 (hg19) VCF-style: chr8-133899517-G-A.
Other names: short protein forms G634R.
Identifiers: ClinVar variation 361920 (VCV000361920.15), dbSNP rs116417639, ClinGen allele CA4883266.

ClinVar aggregate classification (germline): Conflicting classifications of pathogenicity. Review status: criteria provided, conflicting classifications (1 of 4 stars). 3 submissions from 3 submitters: Uncertain significance (2); Likely benign (1). Last evaluated 2026-02-04.

Conditions:
Iodotyrosyl coupling defect (TDH3). Also called: THYROID HORMONOGENESIS, GENETIC DEFECT IN, 3; HYPOTHYROIDISM, CONGENITAL, DUE TO DYSHORMONOGENESIS, 3. Identifiers: Orphanet 95716, MedGen C0342194, MONDO:0010135, OMIM 274700.

Allele frequency attached by ClinVar (database versions not stated): TOPMed 0.00035; ESP Exome Variant Server 0.00069; gnomAD exomes 0.00053 and 0.00028; ExAC 0.00049; 1000 Genomes Project 0.00060; 1000 Genomes Project 30x 0.00062.
gnomAD v4.1: 485 of 1,601,692 alleles (0.03%); highest among the groups gnomAD compares: Middle Eastern, 0.13%; no homozygotes.

Submissions (4):

Labcorp Genetics (formerly Invitae), Labcorp
Classification: Likely benign. Last evaluated: 2026-02-04. Review status: criteria provided, single submitter. Criteria: Invitae Variant Classification Sherloc (09022015). Collection method: clinical testing. Allele origin: germline.

GeneDx
Classification: Uncertain significance. Last evaluated: 2025-11-20. Review status: criteria provided, single submitter. Criteria: GeneDx Variant Classification Process June 2021. Collection method: clinical testing. Allele origin: germline.
Comment: Identified in the heterozygous state in unrelated patients with congenital hypothyroidism in published literature who did not harbor a second TG variant (PMID: 28444304, 30240412, 30022773); In silico analysis supports that this missense variant has a deleterious effect on protein structure/function; This variant is associated with the following publications: (PMID: 30240412, 30022773, 28444304)

Illumina Laboratory Services, Illumina
Classification: Uncertain significance for Iodotyrosyl coupling defect. Last evaluated: 2018-01-13. Review status: criteria provided, single submitter. Criteria: ICSL Variant Classification Criteria 13 December 2019. Collection method: clinical testing. Allele origin: germline.

Dr. Peter K. Rogan Lab, Western University
No classification provided (evidence only). Condition: Ovarian serous cystadenocarcinoma. Review status: no classification provided. Collection method: in vitro. Allele origin: not applicable. Functional consequence: retained intron. Not counted in ClinVar's aggregate classification.